The following is an entry in ClinVar:

ClinVar aggregate classification (germline): Likely benign (1 of 4 stars; one submission).

gnomAD v4.1: 58 of 1,599,216 alleles (0.0036%); highest among the groups gnomAD compares: Admixed American, 0.0051%; 1 homozygote.

Submission:

CeGaT Center for Human Genetics Tuebingen
Classification: Likely benign. Last evaluated: 2025-11-01. Review status: criteria provided, single submitter. Criteria: CeGaT Center For Human Genetics Tuebingen Variant Classification Criteria Version 2. Collection method: clinical testing. Allele origin: germline. Affected: yes. Observed: 1 variant allele.
Comment: CEL: BP4, BP7

NM_001807.6(CEL):c.2199T>C (p.Ala733=)

Gene: CEL (carboxyl ester lipase; plus strand). Cytogenetic location: 9q34.13.
Variant type: single nucleotide variant.
Coding change: c.2199T>C on transcript NM_001807.6 (MANE Select); coding-DNA position 2199, T replaced by C.
Protein change: p.Ala733=; no amino-acid change (alanine 733 retained).
Molecular consequence: synonymous variant.
Genome position (GRCh38, 1-based): chr9:133,071,701, T>C. VCF-style: chr9-133071701-T-C. GRCh37 (hg19) VCF-style: chr9-135947088-T-C.
Identifiers: ClinVar variation 4533795 (VCV004533795.6).
Genomic context (GRCh38, chr9:133,071,701, plus strand): 5'-CGTGCCGCCCACGGGTGACTCCGGGGCCCCCCCTGTGCCCCCCACGGGTGACTCTGAGGC[T>C]GCCCCTGTGCCCCCCACAGATGACTCCAAGGAAGCTCAGATGCCTGCAGTCATTAGGTTT-3'
Protein context (NP_001798.3, residues 723-743): PPVPPTGDSE[Ala733=]APVPPTDDSK